The following is an entry in ClinVar:

ClinVar aggregate classification (germline): Conflicting classifications of pathogenicity. Review status: criteria provided, conflicting classifications (1 of 4 stars). 4 submissions from 4 submitters: Uncertain significance (3); Likely benign (1). Last evaluated 2026-08-11.

Conditions:
Hereditary cancer-predisposing syndrome. Also called: Hereditary neoplastic syndrome; Tumor predisposition; Neoplastic Syndromes, Hereditary; Hereditary Cancer Syndrome. Identifiers: Orphanet 140162, MedGen C0027672, MeSH D009386, MONDO:0015356.
Hereditary breast ovarian cancer syndrome. Also called: Hereditary breast and ovarian cancer syndrome (HBOC); Hereditary breast and/or ovarian cancer syndrome; Breast and ovarian cancer; Hereditary breast and ovarian cancer syndrome; Hereditary breast and ovarian cancer; BRCA1- and BRCA2-Associated Hereditary Breast and Ovarian Cancer. Identifiers: Orphanet 145, MedGen C0677776, MeSH D061325, MONDO:0003582. Disease mechanism: loss of function.
Breast-ovarian cancer, familial, susceptibility to, 4. Identifiers: Orphanet 145, MedGen C3280345, MONDO:0013669, OMIM 614291.

Allele frequency attached by ClinVar (database versions not stated): TOPMed 0.00001.

Submissions (4):

German Consortium for Hereditary Breast and Ovarian Cancer, University Hospital Cologne
Classification: Likely benign for Hereditary breast ovarian cancer syndrome. Last evaluated: 2026-08-11. Review status: criteria provided, single submitter. Criteria: ACMG SVI. Collection method: curation. Allele origin: germline.
Comment: This classification follows the ACMG SVI adaptation classification scheme; We chose these criteria: PM2 (supporting pathogenic): absent from gnomAD v2/3/4, BP4 (supporting benign): REVEL 0,256, BS3 (supporting benign): Casadei 2026, PMID: 42327150 functional

Labcorp Genetics (formerly Invitae), Labcorp
Classification: Uncertain significance for Breast-ovarian cancer, familial, susceptibility to, 4. Last evaluated: 2024-10-13. Review status: criteria provided, single submitter. Criteria: Invitae Variant Classification Sherloc (09022015). Collection method: clinical testing. Allele origin: germline.
Comment: This sequence change replaces arginine, which is basic and polar, with glycine, which is neutral and non-polar, at codon 232 of the RAD51D protein (p.Arg232Gly). This variant is not present in population databases (gnomAD no frequency). This variant has not been reported in the literature in individuals affected with RAD51D-related conditions. ClinVar contains an entry for this variant (Variation ID: 484786). Invitae Evidence Modeling of protein sequence and biophysical properties (such as structural, functional, and spatial information, amino acid conservation, physicochemical variation, residue mobility, and thermodynamic stability) indicates that this missense variant is not expected to disrupt RAD51D protein function with a negative predictive value of 80%. In summary, the available evidence is currently insufficient to determine the role of this variant in disease. Therefore, it has been classified as a Variant of Uncertain Significance.

Ambry Genetics
Classification: Uncertain significance for Hereditary cancer-predisposing syndrome. Last evaluated: 2023-07-06. Review status: criteria provided, single submitter. Criteria: Ambry Variant Classification Scheme 2023. Collection method: clinical testing. Allele origin: germline.
Comment: The p.R232G variant (also known as c.694C>G), located in coding exon 8 of the RAD51D gene, results from a C to G substitution at nucleotide position 694. The arginine at codon 232 is replaced by glycine, an amino acid with dissimilar properties. This amino acid position is well conserved in available vertebrate species. In addition, the in silico prediction for this alteration is inconclusive. Since supporting evidence is limited at this time, the clinical significance of this alteration remains unclear.

Color Diagnostics, LLC DBA Color Health
Classification: Uncertain significance for Hereditary cancer-predisposing syndrome. Last evaluated: 2019-03-27. Review status: criteria provided, single submitter. Criteria: ACMG Guidelines, 2015. Collection method: clinical testing. Allele origin: germline.

NM_002878.4(RAD51D):c.694C>G (p.Arg232Gly)

Genes: RAD51D (RAD51 paralog D; minus strand), RAD51L3-RFFL (RAD51L3-RFFL readthrough; minus strand). Cytogenetic location: 17q12.
Variant type: single nucleotide variant.
Coding change: c.694C>G on transcript NM_002878.4 (MANE Select); coding-DNA position 694, C replaced by G.
Protein change: p.Arg232Gly; replaces arginine 232 with glycine.
Molecular consequence: missense variant. On other transcripts: non-coding transcript variant (3).
Genome position (GRCh38, 1-based): chr17:35,103,298, G>C on the plus strand (C>G on the coding strand, the complement: RAD51D is on the minus strand). VCF-style: chr17-35103298-G-C. GRCh37 (hg19) VCF-style: chr17-33430317-G-C.
Other names: c.754C>G, p.Arg252Gly (NM_001142571.2); c.358C>G, p.Arg120Gly (NM_133629.3); short protein forms R232G, R252G, R120G.
Identifiers: ClinVar variation 484786 (VCV000484786.14), dbSNP rs587780104, ClinGen allele CA399087669.